The following is an entry in ClinVar:

ClinVar aggregate classification (germline): Uncertain significance (1 of 4 stars; one submission).

Conditions:
Severe combined immunodeficiency due to CORO1A deficiency. Also called: Immunodeficiency 8; IMMUNODEFICIENCY 8 WITH LYMPHOPROLIFERATION. Identifiers: Orphanet 228003, MedGen C3809383, MONDO:0014168, OMIM 615401.

Submission:

Labcorp Genetics (formerly Invitae), Labcorp
Classification: Uncertain significance for Severe combined immunodeficiency due to CORO1A deficiency. Last evaluated: 2022-11-22. Review status: criteria provided, single submitter. Criteria: Invitae Variant Classification Sherloc (09022015). Collection method: clinical testing. Allele origin: germline.
Comment: In summary, the available evidence is currently insufficient to determine the role of this variant in disease. Therefore, it has been classified as a Variant of Uncertain Significance. Algorithms developed to predict the effect of sequence changes on RNA splicing suggest that this variant may create or strengthen a splice site. This variant has not been reported in the literature in individuals affected with CORO1A-related conditions. This variant is not present in population databases (gnomAD no frequency). This sequence change falls in intron 9 of the CORO1A gene. It does not directly change the encoded amino acid sequence of the CORO1A protein.

NM_007074.4(CORO1A):c.1066-8G>A

Gene: CORO1A (coronin 1A; plus strand). Cytogenetic location: 16p11.2.
Variant type: single nucleotide variant.
Coding change: c.1066-8G>A on transcript NM_007074.4 (MANE Select); 8 bases into the intron before coding-DNA position 1066, G replaced by A.
Molecular consequence: intron variant.
Genome position (GRCh38, 1-based): chr16:30,188,353, G>A. VCF-style: chr16-30188353-G-A. GRCh37 (hg19) VCF-style: chr16-30199674-G-A.
Other names: c.1066-8G>A (NM_001193333.3).
Identifiers: ClinVar variation 1948336 (VCV001948336.5), dbSNP rs371839104, ClinGen allele CA2580091471.